The following is an entry in ClinVar:

ClinVar aggregate classification (germline): Pathogenic. Review status: criteria provided, multiple submitters, no conflicts (2 of 4 stars). 4 submissions from 4 submitters: Pathogenic (2). 2 of the submissions do not count toward it. Last evaluated 2024-05-27.

Conditions:
ENPP1-related disorder. Also called: ENPP1-related condition; ENPP1-related disorders.
Arterial calcification, generalized, of infancy, 1 (GACI1). Also called: Idiopathic Infantile Arterial Calcification. Identifiers: Orphanet 51608, MedGen C4551985, MONDO:0008817, OMIM 208000.

Allele frequency attached by ClinVar (database versions not stated): gnomAD exomes below 0.00001; TOPMed 0.00001.
gnomAD v4.1: 6 of 1,607,442 alleles (0.00037%); highest among the groups gnomAD compares: East Asian, 0.0067%; no homozygotes.

Submissions (4):

Blueprint Genetics
Classification: Pathogenic for ENPP1-related disorders. Last evaluated: 2024-05-27. Review status: criteria provided, single submitter. Criteria: ACMG Guidelines, 2015. Collection method: clinical testing. Allele origin: germline. Affected: yes. Observed: 2 variant alleles.

Labcorp Genetics (formerly Invitae), Labcorp
Classification: Pathogenic. Last evaluated: 2024-02-05. Review status: criteria provided, single submitter. Criteria: Invitae Variant Classification Sherloc (09022015). Collection method: clinical testing. Allele origin: germline.
Comment: This sequence change creates a premature translational stop signal (p.Tyr261*) in the ENPP1 gene. It is expected to result in an absent or disrupted protein product. Loss-of-function variants in ENPP1 are known to be pathogenic (PMID: 12881724, 15605415, 16369898, 20016754, 20137773, 22539483). This variant is present in population databases (rs267606784, gnomAD 0.006%). This premature translational stop signal has been observed in individual(s) with ENPP1-related conditions (PMID: 19206175, 29141319; Invitae). ClinVar contains an entry for this variant (Variation ID: 13597). Algorithms developed to predict the effect of sequence changes on RNA splicing suggest that this variant may disrupt the consensus splice site. For these reasons, this variant has been classified as Pathogenic.

PreventionGenetics, part of Exact Sciences
Classification: Pathogenic for ENPP1-related condition. Last evaluated: 2024-08-26. Review status: no assertion criteria provided. Collection method: clinical testing. Allele origin: germline. Not counted in ClinVar's aggregate classification.
Comment: The ENPP1 c.783C>G variant is predicted to result in premature protein termination (p.Tyr261*). This variant has been reported to be causative for autosomal recessive generalized arterial calcification of infancy (see for example - Rutsch et al. 2003. PubMed ID: 12881724; Xiong et al. 2015. PubMed ID: 25525159). This variant is reported in 0.0055% of alleles in individuals of East Asian descent in gnomAD. Nonsense variants in ENPP1 are expected to be pathogenic. This variant is interpreted as pathogenic.

OMIM
Classification: Pathogenic for ARTERIAL CALCIFICATION, GENERALIZED, OF INFANCY, 1. Last evaluated: 2012-01-13. Review status: no assertion criteria provided. Collection method: literature only. Allele origin: germline. Not counted in ClinVar's aggregate classification.

Literature cited by the submitters: PubMed 12881724 (cited by Labcorp Genetics (formerly Invitae), Labcorp); PubMed 15605415 (cited by Labcorp Genetics (formerly Invitae), Labcorp); PubMed 16369898 (cited by Labcorp Genetics (formerly Invitae), Labcorp); PubMed 20016754 (cited by Labcorp Genetics (formerly Invitae), Labcorp); PubMed 20137773 (cited by Labcorp Genetics (formerly Invitae), Labcorp); PubMed 22539483 (cited by Labcorp Genetics (formerly Invitae), Labcorp); PubMed 19206175 (cited by Labcorp Genetics (formerly Invitae), Labcorp and OMIM); PubMed 29141319 (cited by Labcorp Genetics (formerly Invitae), Labcorp); PubMed 22209248 (cited by OMIM).

NM_006208.3(ENPP1):c.783C>G (p.Tyr261Ter)

Gene: ENPP1 (ectonucleotide pyrophosphatase/phosphodiesterase 1; plus strand). Cytogenetic location: 6q23.2.
Variant type: single nucleotide variant.
Coding change: c.783C>G on transcript NM_006208.3 (MANE Select); coding-DNA position 783, C replaced by G.
Protein change: p.Tyr261Ter; replaces tyrosine 261 with a stop codon.
Molecular consequence: nonsense.
Genome position (GRCh38, 1-based): chr6:131,858,735, C>G. VCF-style: chr6-131858735-C-G. GRCh37 (hg19) VCF-style: chr6-132179875-C-G.
Other names: short protein forms Y261*.
Identifiers: ClinVar variation 13597 (VCV000013597.12), dbSNP rs267606784, ClinGen allele CA256909.